The following is an entry in ClinVar:

NM_001080517.3(SETD5):c.567+5G>T

Gene: SETD5 (SET domain containing 5; plus strand). Cytogenetic location: 3p25.3.
Variant type: single nucleotide variant.
Coding change: c.567+5G>T on transcript NM_001080517.3 (MANE Select); 5 bases into the intron after coding-DNA position 567, G replaced by T.
Molecular consequence: intron variant.
Genome position (GRCh38, 1-based): chr3:9,435,911, G>T. VCF-style: chr3-9435911-G-T. GRCh37 (hg19) VCF-style: chr3-9477595-G-T.
Other names: c.234+5G>T (NM_001349451.2, NM_001292043.2).
Identifiers: ClinVar variation 2829578 (VCV002829578.3), dbSNP rs1435023032, ClinGen allele CA2664305177.

ClinVar aggregate classification (germline): Uncertain significance (1 of 4 stars; one submission).

Submission:

Labcorp Genetics (formerly Invitae), Labcorp
Classification: Uncertain significance. Last evaluated: 2023-08-24. Review status: criteria provided, single submitter. Criteria: Invitae Variant Classification Sherloc (09022015). Collection method: clinical testing. Allele origin: germline.
Comment: In summary, the available evidence is currently insufficient to determine the role of this variant in disease. Therefore, it has been classified as a Variant of Uncertain Significance. This variant is not present in population databases (gnomAD no frequency). This variant has not been reported in the literature in individuals affected with SETD5-related conditions. Variants that disrupt the consensus splice site are a relatively common cause of aberrant splicing (PMID: 17576681, 9536098). Algorithms developed to predict the effect of sequence changes on RNA splicing suggest that this variant may create or strengthen a splice site. This sequence change falls in intron 7 of the SETD5 gene. It does not directly change the encoded amino acid sequence of the SETD5 protein. It affects a nucleotide within the consensus splice site.

Literature cited by the submitters: PubMed 17576681; PubMed 9536098.